The following is an entry in ClinVar:

ClinVar aggregate classification (germline): Uncertain significance (1 of 4 stars; one submission).

gnomAD v4.1: 1 of 1,614,096 alleles (0.000062%); no homozygotes.

Submission:

GeneDx
Classification: Uncertain significance. Last evaluated: 2025-05-12. Review status: criteria provided, single submitter. Criteria: GeneDx Variant Classification Process June 2021. Collection method: clinical testing. Allele origin: germline.
Comment: In silico analysis supports that this missense variant has a deleterious effect on protein structure/function; Has not been previously published as pathogenic or benign to our knowledge; Not observed at significant frequency in large population cohorts (gnomAD)

NM_004999.4(MYO6):c.3641C>T (p.Pro1214Leu)

Gene: MYO6 (myosin VI; plus strand). Cytogenetic location: 6q14.1.
Variant type: single nucleotide variant.
Coding change: c.3641C>T on transcript NM_004999.4 (MANE Select); coding-DNA position 3641, C replaced by T.
Protein change: p.Pro1214Leu; replaces proline 1214 with leucine.
Molecular consequence: missense variant. On other transcripts: non-coding transcript variant (1).
Genome position (GRCh38, 1-based): chr6:75,914,264, C>T. VCF-style: chr6-75914264-C-T. GRCh37 (hg19) VCF-style: chr6-76623981-C-T.
Other names: c.3572C>T, p.Pro1191Leu (NM_001300899.2); c.3545C>T, p.Pro1182Leu (NM_001368136.1); c.3602C>T, p.Pro1201Leu (NM_001368137.1); c.3557C>T, p.Pro1186Leu (NM_001368138.1); c.3668C>T, p.Pro1223Leu (NM_001368865.1); c.3641C>T, p.Pro1214Leu (NM_001368866.1); short protein forms P1182L, P1186L, P1191L, P1201L, P1214L, P1223L.
Identifiers: ClinVar variation 3774637 (VCV003774637.2).